The following is an entry in ClinVar:

ClinVar aggregate classification (germline): Uncertain significance (1 of 4 stars; one submission).

Submission:

Labcorp Genetics (formerly Invitae), Labcorp
Classification: Uncertain significance. Last evaluated: 2023-11-13. Review status: criteria provided, single submitter. Criteria: Invitae Variant Classification Sherloc (09022015). Collection method: clinical testing. Allele origin: germline.
Comment: This sequence change replaces glutamine, which is neutral and polar, with histidine, which is basic and polar, at codon 643 of the TECTA protein (p.Gln643His). This variant is not present in population databases (gnomAD no frequency). This variant has not been reported in the literature in individuals affected with TECTA-related conditions. ClinVar contains an entry for this variant (Variation ID: 1483370). Advanced modeling of protein sequence and biophysical properties (such as structural, functional, and spatial information, amino acid conservation, physicochemical variation, residue mobility, and thermodynamic stability) performed at Invitae indicates that this missense variant is not expected to disrupt TECTA protein function with a negative predictive value of 95%. In summary, the available evidence is currently insufficient to determine the role of this variant in disease. Therefore, it has been classified as a Variant of Uncertain Significance.

NM_005422.4(TECTA):c.1929G>T (p.Gln643His)

Genes: TBCEL-TECTA (TBCEL-TECTA readthrough; plus strand), TECTA (tectorin alpha; plus strand). Cytogenetic location: 11q23.3.
Variant type: single nucleotide variant.
Coding change: c.1929G>T on transcript NM_005422.4 (MANE Select); coding-DNA position 1929, G replaced by T.
Protein change: p.Gln643His; replaces glutamine 643 with histidine.
Molecular consequence: missense variant.
Genome position (GRCh38, 1-based): chr11:121,127,906, G>T. VCF-style: chr11-121127906-G-T. GRCh37 (hg19) VCF-style: chr11-120998615-G-T.
Other names: c.2886G>T, p.Gln962His (NM_001378761.1); short protein forms Q643H, Q962H.
Identifiers: ClinVar variation 1483370 (VCV001483370.8), dbSNP rs2135081174, ClinGen allele CA383013728.